The following is an entry in ClinVar:

ClinVar aggregate classification (germline): Pathogenic. Review status: criteria provided, multiple submitters, no conflicts (2 of 4 stars). 5 submissions from 5 submitters: Pathogenic (4). 1 of the submissions does not count toward it. Last evaluated 2026-01-24.

Conditions:
PALB2-related disorder. Also called: PALB2-related disorders; PALB2-related condition.
Hereditary cancer-predisposing syndrome. Also called: Neoplastic Syndromes, Hereditary; Tumor predisposition; Hereditary Cancer Syndrome; Hereditary neoplastic syndrome. Identifiers: Orphanet 140162, MedGen C0027672, MeSH D009386, MONDO:0015356.
Familial cancer of breast. Also called: hereditary breast carcinoma; BREAST CANCER, FAMILIAL; Hereditary breast cancer. Identifiers: Orphanet 227535, MedGen C0346153, MONDO:0016419, OMIM 114480. Disease mechanism: loss of function.

Allele frequency attached by ClinVar (database versions not stated): gnomAD exomes below 0.00001.

Submissions (5):

PreventionGenetics, part of Exact Sciences
Classification: Pathogenic for PALB2-related condition. Last evaluated: 2026-01-24. Review status: criteria provided, single submitter. Criteria: ACMG Guidelines, 2015. Collection method: clinical testing. Allele origin: germline.
Comment: The PALB2 c.759delA variant is predicted to result in a frameshift and premature protein termination (p.Ser254Glnfs*25). This variant was reported in an individual with ovarian cancer (Supplementary Data 4, Kanchi et al. 2014. PubMed ID: 24448499). This variant has not been reported in a large population database (gnomAD), indicating this variant is rare. This variant has interpretations of likely pathogenic and pathogenic in ClinVar (Variation ID: 402310). Frameshift variants in PALB2 are expected to be pathogenic. This variant is interpreted as pathogenic.

Ambry Genetics
Classification: Pathogenic for Hereditary cancer-predisposing syndrome. Last evaluated: 2025-10-23. Review status: criteria provided, single submitter. Criteria: Ambry Variant Classification Scheme 2023. Collection method: clinical testing. Allele origin: germline.
Comment: The c.759delA pathogenic mutation, located in coding exon 4 of the PALB2 gene, results from a deletion of one nucleotide at nucleotide position 759, causing a translational frameshift with a predicted alternate stop codon (p.S254Qfs*25). This alteration is expected to result in loss of function by premature protein truncation or nonsense-mediated mRNA decay. As such, this alteration is interpreted as a disease-causing mutation.

Labcorp Genetics (formerly Invitae), Labcorp
Classification: Pathogenic for Familial cancer of breast. Last evaluated: 2024-06-10. Review status: criteria provided, single submitter. Criteria: Invitae Variant Classification Sherloc (09022015). Collection method: clinical testing. Allele origin: germline.
Comment: This sequence change creates a premature translational stop signal (p.Ser254Glnfs*25) in the PALB2 gene. It is expected to result in an absent or disrupted protein product. Loss-of-function variants in PALB2 are known to be pathogenic (PMID: 17200668, 17200671, 17200672, 24136930, 25099575). This variant is not present in population databases (gnomAD no frequency). This variant has not been reported in the literature in individuals affected with PALB2-related conditions. ClinVar contains an entry for this variant (Variation ID: 402310). For these reasons, this variant has been classified as Pathogenic.

Myriad Genetics, Inc.
Classification: Pathogenic for Familial cancer of breast. Last evaluated: 2023-03-30. Review status: criteria provided, single submitter. Criteria: Myriad Autosomal Dominant, Autosomal Recessive and X-Linked Classification Criteria (2023). Collection method: clinical testing. Allele origin: unknown.
Comment: This variant is considered pathogenic. This variant creates a frameshift predicted to result in premature protein truncation.

Counsyl
Classification: Likely pathogenic for Familial cancer of breast. Last evaluated: 2017-02-01. Review status: no assertion criteria provided. Collection method: clinical testing. Allele origin: unknown. Not counted in ClinVar's aggregate classification.

Literature cited by the submitters: PubMed 24448499 (cited by Ambry Genetics and Counsyl); PubMed 17200668 (cited by Labcorp Genetics (formerly Invitae), Labcorp); PubMed 17200671 (cited by Labcorp Genetics (formerly Invitae), Labcorp); PubMed 17200672 (cited by Labcorp Genetics (formerly Invitae), Labcorp); PubMed 24136930 (cited by Labcorp Genetics (formerly Invitae), Labcorp); PubMed 25099575 (cited by Labcorp Genetics (formerly Invitae), Labcorp).

NM_024675.4(PALB2):c.759del (p.Ser254fs)

Gene: PALB2 (partner and localizer of BRCA2; minus strand). Cytogenetic location: 16p12.2.
Variant type: Deletion.
Coding change: c.759del on transcript NM_024675.4 (MANE Select); coding-DNA position 759, one base deleted (A; older notation c.759delA).
Protein change: p.Ser254fs; shifts the reading frame from serine 254.
Molecular consequence: frameshift variant.
Genome position (GRCh38, 1-based): chr16:23,635,787, T deleted on the plus strand (A on the coding strand, the reverse complement: PALB2 is on the minus strand). VCF-style (leftmost placement, unchanged base first): chr16-23635786-AT-A. GRCh37 (hg19) VCF-style: chr16-23647107-AT-A.
Other names: c.759delA (NM_024675.3); short protein forms S254fs.
Identifiers: ClinVar variation 402310 (VCV000402310.16), dbSNP rs1060499830, ClinGen allele CA16609605.